The following is an entry in ClinVar:

NM_020433.5(JPH2):c.1625G>T (p.Arg542Leu)

Gene: JPH2 (junctophilin 2; minus strand). Cytogenetic location: 20q13.12.
Variant type: single nucleotide variant.
Coding change: c.1625G>T on transcript NM_020433.5 (MANE Select); coding-DNA position 1625, G replaced by T.
Protein change: p.Arg542Leu; replaces arginine 542 with leucine.
Molecular consequence: missense variant.
Genome position (GRCh38, 1-based): chr20:44,116,050, C>A on the plus strand (G>T on the coding strand, the complement: JPH2 is on the minus strand). VCF-style: chr20-44116050-C-A. GRCh37 (hg19) VCF-style: chr20-42744690-C-A.
Other names: short protein forms R542L.
Identifiers: ClinVar variation 655298 (VCV000655298.14), dbSNP rs369279135, ClinGen allele CA409100254.

ClinVar aggregate classification (germline): Conflicting classifications of pathogenicity. Review status: criteria provided, conflicting classifications (1 of 4 stars). 4 submissions from 4 submitters: Uncertain significance (3); Likely benign (1). Last evaluated 2026-06-20.

Conditions:
JPH2-related disorder. Also called: JPH2-related condition.
Cardiovascular phenotype. Identifiers: MedGen CN230736.
Hypertrophic cardiomyopathy. Also called: HYPERTROPHIC MYOCARDIOPATHY. Identifiers: Orphanet 217569, MedGen C0007194, MeSH D002312, MONDO:0005045, HP:0001639.

Allele frequency attached by ClinVar (database versions not stated): TOPMed 0.00002.
gnomAD v4.1: 6 of 1,562,570 alleles (0.00038%); highest among the groups gnomAD compares: African/African-American, 0.0055%; no homozygotes.

Submissions (4):

PreventionGenetics, part of Exact Sciences
Classification: Uncertain significance for JPH2-related condition. Last evaluated: 2026-06-20. Review status: criteria provided, single submitter. Criteria: ACMG Guidelines, 2015. Collection method: clinical testing. Allele origin: germline.
Comment: The JPH2 c.1625G>T variant is predicted to result in the amino acid substitution p.Arg542Leu. To our knowledge, this variant has not been reported in the literature. This variant is reported in 0.014% of alleles in individuals of African descent in gnomAD. At this time, the clinical significance of this variant is uncertain due to the absence of conclusive functional and genetic evidence.

GeneDx
Classification: Uncertain significance. Last evaluated: 2026-06-15. Review status: criteria provided, single submitter. Criteria: GeneDx Variant Classification Process June 2021. Collection method: clinical testing. Allele origin: germline.
Comment: Has not been previously published as pathogenic or benign to our knowledge; In silico analysis indicates that this missense variant does not alter protein structure/function

Labcorp Genetics (formerly Invitae), Labcorp
Classification: Uncertain significance for Hypertrophic cardiomyopathy. Last evaluated: 2025-05-29. Review status: criteria provided, single submitter. Criteria: Invitae Variant Classification Sherloc (09022015). Collection method: clinical testing. Allele origin: germline.
Comment: This sequence change replaces arginine, which is basic and polar, with leucine, which is neutral and non-polar, at codon 542 of the JPH2 protein (p.Arg542Leu). The frequency data for this variant in the population databases is considered unreliable, as metrics indicate poor data quality at this position in the gnomAD database. This variant has not been reported in the literature in individuals affected with JPH2-related conditions. ClinVar contains an entry for this variant (Variation ID: 655298). An algorithm developed to predict the effect of missense changes on protein structure and function (PolyPhen-2) suggests that this variant is likely to be tolerated. In summary, the available evidence is currently insufficient to determine the role of this variant in disease. Therefore, it has been classified as a Variant of Uncertain Significance.

Ambry Genetics
Classification: Likely benign for Cardiovascular phenotype. Last evaluated: 2025-04-04. Review status: criteria provided, single submitter. Criteria: Ambry Variant Classification Scheme 2023. Collection method: clinical testing. Allele origin: germline.